The following is an entry in ClinVar:

NM_033380.3(COL4A5):c.3208A>G (p.Ile1070Val)

Gene: COL4A5 (collagen type IV alpha 5 chain; plus strand). Cytogenetic location: Xq22.3.
Variant type: single nucleotide variant.
Coding change: c.3208A>G on transcript NM_033380.3 (MANE Select); coding-DNA position 3208, A replaced by G.
Protein change: p.Ile1070Val; replaces isoleucine 1070 with valine.
Molecular consequence: missense variant.
Genome position (GRCh38, 1-based): chrX:108,626,311, A>G. VCF-style: chrX-108626311-A-G. GRCh37 (hg19) VCF-style: chrX-107869541-A-G.
Other names: c.3208A>G, p.Ile1070Val (NM_000495.5); short protein forms I1070V.
Identifiers: ClinVar variation 2181096 (VCV002181096.1), dbSNP rs770332090, ClinGen allele CA10489044.

ClinVar aggregate classification (germline): Uncertain significance (1 of 4 stars; one submission).

Allele frequency attached by ClinVar (database versions not stated): gnomAD exomes below 0.00001; TOPMed 0.00001; ExAC 0.00005; gnomAD 0.00005; 1000 Genomes Project 0.00026; 1000 Genomes Project 30x 0.00042.
gnomAD v4.1: 11 of 1,209,267 alleles (0.00091%); highest among the groups gnomAD compares: African/African-American, 0.014%; no homozygotes.

Submission:

Labcorp Genetics (formerly Invitae), Labcorp
Classification: Uncertain significance. Last evaluated: 2022-06-08. Review status: criteria provided, single submitter. Criteria: Invitae Variant Classification Sherloc (09022015). Collection method: clinical testing. Allele origin: germline.
Comment: This sequence change replaces isoleucine, which is neutral and non-polar, with valine, which is neutral and non-polar, at codon 1070 of the COL4A5 protein (p.Ile1070Val). This variant is present in population databases (rs770332090, gnomAD 0.02%). This variant has not been reported in the literature in individuals affected with COL4A5-related conditions. Advanced modeling of protein sequence and biophysical properties (such as structural, functional, and spatial information, amino acid conservation, physicochemical variation, residue mobility, and thermodynamic stability) performed at Invitae indicates that this missense variant is not expected to disrupt COL4A5 protein function. In summary, the available evidence is currently insufficient to determine the role of this variant in disease. Therefore, it has been classified as a Variant of Uncertain Significance.